The following is an entry in ClinVar:

ClinVar aggregate classification (germline): Uncertain significance (1 of 4 stars; one submission).

Conditions:
SYNE2-related disorder. Also called: SYNE2-related condition.

Allele frequency attached by ClinVar (database versions not stated): gnomAD exomes below 0.00001; ExAC 0.00001.
gnomAD v4.1: 5 of 1,614,016 alleles (0.00031%); highest among the groups gnomAD compares: South Asian, 0.0022%; no homozygotes.

Submission:

PreventionGenetics, part of Exact Sciences
Classification: Uncertain significance for SYNE2-related condition. Last evaluated: 2023-04-04. Review status: criteria provided, single submitter. Criteria: ACMG Guidelines, 2015. Collection method: clinical testing. Allele origin: germline.
Comment: The SYNE2 c.11075T>C variant is predicted to result in the amino acid substitution p.Ile3692Thr. To our knowledge, this variant has not been reported in the literature. This variant is reported in 0.0033% of alleles in individuals of South Asian descent in gnomAD. At this time, the clinical significance of this variant is uncertain due to the absence of conclusive functional and genetic evidence.

NM_182914.3(SYNE2):c.11075T>C (p.Ile3692Thr)

Gene: SYNE2 (spectrin repeat containing nuclear envelope protein 2; plus strand). Cytogenetic location: 14q23.2.
Variant type: single nucleotide variant.
Coding change: c.11075T>C on transcript NM_182914.3 (MANE Select); coding-DNA position 11075, T replaced by C.
Protein change: p.Ile3692Thr; replaces isoleucine 3692 with threonine.
Molecular consequence: missense variant.
Genome position (GRCh38, 1-based): chr14:64,078,518, T>C. VCF-style: chr14-64078518-T-C. GRCh37 (hg19) VCF-style: chr14-64545236-T-C.
Other names: c.11075T>C, p.Ile3692Thr (NM_015180.6); short protein forms I3692T.
Identifiers: ClinVar variation 2636004 (VCV002636004.1), dbSNP rs749084800, ClinGen allele CA7221694.